The following is an entry in ClinVar:

ClinVar aggregate classification (germline): Uncertain significance (0 of 4 stars; one submission).

Conditions:
WDR26-related disorder. Also called: WDR26-related condition.

Submission:

PreventionGenetics, part of Exact Sciences
Classification: Uncertain significance for WDR26-related condition. Last evaluated: 2024-06-21. Review status: no assertion criteria provided. Collection method: clinical testing. Allele origin: germline.
Comment: The WDR26 c.1456G>T variant is predicted to result in the amino acid substitution p.Val486Leu. To our knowledge, this variant has not been reported in the literature or in a large population database, indicating this variant is rare. At this time, the clinical significance of this variant is uncertain due to the absence of conclusive functional and genetic evidence.

NM_001379403.1(WDR26):c.1756G>T (p.Val586Leu)

Gene: WDR26 (WD repeat domain 26; minus strand). Cytogenetic location: 1q42.11.
Variant type: single nucleotide variant.
Coding change: c.1756G>T on transcript NM_001379403.1 (MANE Select); coding-DNA position 1756, G replaced by T.
Protein change: p.Val586Leu; replaces valine 586 with leucine.
Molecular consequence: missense variant.
Genome position (GRCh38, 1-based): chr1:224,398,998, C>A on the plus strand (G>T on the coding strand, the complement: WDR26 is on the minus strand). VCF-style: chr1-224398998-C-A. GRCh37 (hg19) VCF-style: chr1-224586700-C-A.
Other names: c.1408G>T, p.Val470Leu (NM_001115113.3); c.1456G>T, p.Val486Leu (NM_025160.7); short protein forms V470L, V486L, V586L.
Identifiers: ClinVar variation 3350926 (VCV003350926.1).